The following is an entry in ClinVar:

ClinVar aggregate classification (germline): Uncertain significance (1 of 4 stars; one submission).

Allele frequency attached by ClinVar (database versions not stated): gnomAD 0.00001; ExAC 0.00002; gnomAD exomes 0.00001; TOPMed below 0.00001.
gnomAD v4.1: 14 of 1,608,202 alleles (0.00087%); highest among the groups gnomAD compares: South Asian, 0.0055%; no homozygotes.

Submission:

CeGaT Center for Human Genetics Tuebingen
Classification: Uncertain significance. Last evaluated: 2024-01-01. Review status: criteria provided, single submitter. Criteria: CeGaT Center For Human Genetics Tuebingen Variant Classification Criteria Version 2. Collection method: clinical testing. Allele origin: germline. Affected: yes. Observed: 1 variant allele.
Comment: PPCS: PM2

NM_024664.4(PPCS):c.368A>G (p.Asn123Ser)

Genes: CCDC30 (coiled-coil domain containing 30; plus strand), PPCS (phosphopantothenoylcysteine synthetase; plus strand). Cytogenetic location: 1p34.2.
Variant type: single nucleotide variant.
Coding change: c.368A>G on transcript NM_024664.4 (MANE Select); coding-DNA position 368, A replaced by G.
Protein change: p.Asn123Ser; replaces asparagine 123 with serine.
Molecular consequence: missense variant. On other transcripts: 5 prime UTR variant (1), intron variant (6).
Genome position (GRCh38, 1-based): chr1:42,456,933, A>G. VCF-style: chr1-42456933-A-G. GRCh37 (hg19) VCF-style: chr1-42922604-A-G.
Other names: c.-325A>G (NM_001287510.2); c.368A>G, p.Asn123Ser (NM_001287511.2); c.-983-314A>G (NM_001355226.2); c.-327-314A>G (NM_001287507.1); c.-11-314A>G (NM_001287506.1, NM_001287509.2); c.-12+209A>G (NM_001287508.2); c.-12+305A>G (NM_001077447.3); short protein forms N123S.
Identifiers: ClinVar variation 3025902 (VCV003025902.20), dbSNP rs773312380, ClinGen allele CA799960.
Genomic context (GRCh38, chr1:42,456,933, plus strand): 5'-CCGCTCTGCGGCCTTCGGGCCCAGCCCTTTCGGGCTTGCTGAGCCTGGAGGCCGAGGAGA[A>G]TGCACTTCCGGGTTTTGCTGAGGCTCTGAGGAGCTACCAGGAGGCTGCGGCTGCAGGCAC-3'
Protein context (NP_078940.2, residues 113-133): SGLLSLEAEE[Asn123Ser]ALPGFAEALR